The following is an entry in ClinVar:

NM_006206.6(PDGFRA):c.895G>A (p.Val299Ile)

Gene: PDGFRA (platelet derived growth factor receptor alpha; plus strand). Cytogenetic location: 4q12.
Variant type: single nucleotide variant.
Coding change: c.895G>A on transcript NM_006206.6 (MANE Select); coding-DNA position 895, G replaced by A.
Protein change: p.Val299Ile; replaces valine 299 with isoleucine.
Molecular consequence: missense variant.
Genome position (GRCh38, 1-based): chr4:54,267,424, G>A. VCF-style: chr4-54267424-G-A. GRCh37 (hg19) VCF-style: chr4-55133591-G-A.
Other names: c.895G>A, p.Val299Ile (NM_001347827.2, NM_001347829.2); c.970G>A, p.Val324Ile (NM_001347828.2); c.934G>A, p.Val312Ile (NM_001347830.2); short protein forms V324I, V299I, V312I.
Identifiers: ClinVar variation 649039 (VCV000649039.10), dbSNP rs752649434, ClinGen allele CA2922414.

ClinVar aggregate classification (germline): Uncertain significance. Review status: criteria provided, multiple submitters, no conflicts (2 of 4 stars). 2 submissions from 2 submitters: Uncertain significance (2). Last evaluated 2025-07-31.

Conditions:
Hereditary cancer-predisposing syndrome. Also called: Neoplastic Syndromes, Hereditary; Tumor predisposition; Hereditary Cancer Syndrome; Hereditary neoplastic syndrome. Identifiers: Orphanet 140162, MedGen C0027672, MeSH D009386, MONDO:0015356.
Gastrointestinal stromal tumor. Also called: Gastrointestinal stromal tumor, somatic; Gastrointestinal stroma tumor. Identifiers: Orphanet 44890, MedGen C0238198, MeSH D046152, MONDO:0011719, OMIM 606764, HP:0100723.

Allele frequency attached by ClinVar (database versions not stated): gnomAD exomes below 0.00001; ExAC 0.00001.
gnomAD v4.1: 2 of 1,614,196 alleles (0.00012%); highest among the groups gnomAD compares: Non-Finnish European, 0.00017%; no homozygotes.

Submissions (2):

Ambry Genetics
Classification: Uncertain significance for Hereditary cancer-predisposing syndrome. Last evaluated: 2025-07-31. Review status: criteria provided, single submitter. Criteria: Ambry Variant Classification Scheme 2023. Collection method: clinical testing. Allele origin: germline.
Comment: The p.V299I variant (also known as c.895G>A), located in coding exon 5 of the PDGFRA gene, results from a G to A substitution at nucleotide position 895. The valine at codon 299 is replaced by isoleucine, an amino acid with highly similar properties. This amino acid position is conserved. In addition, this alteration is predicted to be tolerated by in silico analysis. Since supporting evidence is limited at this time, the clinical significance of this alteration remains unclear.

Labcorp Genetics (formerly Invitae), Labcorp
Classification: Uncertain significance for Gastrointestinal stromal tumor. Last evaluated: 2024-11-18. Review status: criteria provided, single submitter. Criteria: Invitae Variant Classification Sherloc (09022015). Collection method: clinical testing. Allele origin: germline.
Comment: This sequence change replaces valine, which is neutral and non-polar, with isoleucine, which is neutral and non-polar, at codon 299 of the PDGFRA protein (p.Val299Ile). This variant is present in population databases (rs752649434, gnomAD 0.0009%). This variant has not been reported in the literature in individuals affected with PDGFRA-related conditions. ClinVar contains an entry for this variant (Variation ID: 649039). Invitae Evidence Modeling of protein sequence and biophysical properties (such as structural, functional, and spatial information, amino acid conservation, physicochemical variation, residue mobility, and thermodynamic stability) indicates that this missense variant is not expected to disrupt PDGFRA protein function with a negative predictive value of 80%. In summary, the available evidence is currently insufficient to determine the role of this variant in disease. Therefore, it has been classified as a Variant of Uncertain Significance.